The following is an entry in ClinVar:

ClinVar aggregate classification (germline): Uncertain significance (1 of 4 stars; one submission).

Submission:

GeneDx
Classification: Uncertain significance. Last evaluated: 2024-09-30. Review status: criteria provided, single submitter. Criteria: GeneDx Variant Classification Process June 2021. Collection method: clinical testing. Allele origin: germline. Affected: yes.
Comment: Not observed at significant frequency in large population cohorts (gnomAD); In silico analysis supports that this missense variant has a deleterious effect on protein structure/function; Has not been previously published as pathogenic or benign to our knowledge

NM_001378454.1(ALMS1):c.4124C>A (p.Thr1375Asn)

Gene: ALMS1 (ALMS1 centrosome and basal body associated protein; plus strand). Cytogenetic location: 2p13.1.
Variant type: single nucleotide variant.
Coding change: c.4124C>A on transcript NM_001378454.1 (MANE Select); coding-DNA position 4124, C replaced by A.
Protein change: p.Thr1375Asn; replaces threonine 1375 with asparagine.
Molecular consequence: missense variant.
Genome position (GRCh38, 1-based): chr2:73,450,651, C>A. VCF-style: chr2-73450651-C-A. GRCh37 (hg19) VCF-style: chr2-73677778-C-A.
Other names: c.4127C>A, p.Thr1376Asn (NM_015120.4); short protein forms T1375N, T1376N.
Identifiers: ClinVar variation 3776563 (VCV003776563.1).